The following is an entry in ClinVar:

NM_153240.5(NPHP3):c.3813-3A>G

Genes: NPHP3 (nephrocystin 3; minus strand), NPHP3-ACAD11 (NPHP3-ACAD11 readthrough (NMD candidate); minus strand). Cytogenetic location: 3q22.1.
Variant type: single nucleotide variant.
Coding change: c.3813-3A>G on transcript NM_153240.5 (MANE Select); 3 bases into the intron before coding-DNA position 3813, A replaced by G.
Molecular consequence: intron variant.
Genome position (GRCh38, 1-based): chr3:132,682,093, T>C on the plus strand (A>G on the coding strand, the complement: NPHP3 is on the minus strand). VCF-style: chr3-132682093-T-C. GRCh37 (hg19) VCF-style: chr3-132400937-T-C.
Identifiers: ClinVar variation 3902444 (VCV003902444.1).

ClinVar aggregate classification (germline): Pathogenic (1 of 4 stars; one submission).

Conditions:
Joubert syndrome and related disorders. Identifiers: Orphanet 140874, MedGen C5679612, MONDO:0015369.

gnomAD v4.1: 1 of 1,613,324 alleles (0.000062%); no homozygotes.

Submission:

Women's Health and Genetics/Laboratory Corporation of America, LabCorp
Classification: Pathogenic for Joubert syndrome and related disorders. Last evaluated: 2025-05-07. Review status: criteria provided, single submitter. Criteria: LabCorp Variant Classification Summary - May 2015. Collection method: clinical testing. Allele origin: germline.
Comment: Variant summary: NPHP3 c.3813-3A>G alters a nucleotide located close to a canonical splice site and therefore could affect mRNA splicing, leading to a significantly altered protein sequence. Several computational tools predict a significant impact on normal splicing: Four predict the variant abolishes a 3' acceptor site. At least one publication reports experimental evidence that this variant affects mRNA splicing (Zhang_2023). The variant was absent in 250964 control chromosomes. c.3813-3A>G has been observed in the homozygous and compound heterozygous states in multiple individuals affected with Nephronophthisis (Zhang_2023, Tang_2019, Wang_2021). These data indicate that the variant is very likely to be associated with disease. The following publications have been ascertained in the context of this evaluation (PMID: 31131822, 34295353, 36878198). No submitters have cited clinical-significance assessments for this variant to ClinVar. Based on the evidence outlined above, the variant was classified as pathogenic.

Literature cited by the submitters: PubMed 31131822; PubMed 34295353; PubMed 36878198.